The following is an entry in ClinVar:

ClinVar aggregate classification (germline): Uncertain significance. Review status: criteria provided, single submitter (1 of 4 stars). 2 submissions from 2 submitters: Uncertain significance (1). 1 of the submissions does not count toward it. Last evaluated 2024-05-21.

Conditions:
Inborn genetic diseases. Identifiers: MedGen C0950123, MeSH D030342.
PCNT-related disorder. Also called: PCNT-related condition.

Allele frequency attached by ClinVar (database versions not stated): gnomAD exomes 0.00001; TOPMed 0.00001.
gnomAD v4.1: 4 of 1,560,862 alleles (0.00026%); highest among the groups gnomAD compares: Admixed American, 0.0038%; no homozygotes.

Submissions (2):

Ambry Genetics
Classification: Uncertain significance for Inborn genetic diseases. Last evaluated: 2024-05-21. Review status: criteria provided, single submitter. Criteria: Ambry Variant Classification Scheme 2023. Collection method: clinical testing. Allele origin: germline.

PreventionGenetics, part of Exact Sciences
Classification: Uncertain significance for PCNT-related condition. Last evaluated: 2024-03-27. Review status: no assertion criteria provided. Collection method: clinical testing. Allele origin: germline. Not counted in ClinVar's aggregate classification.
Comment: The PCNT c.7978G>A variant is predicted to result in the amino acid substitution p.Gly2660Arg. To our knowledge, this variant has not been reported in the literature or in a large population database, indicating this variant is rare. At this time, the clinical significance of this variant is uncertain due to the absence of conclusive functional and genetic evidence.

NM_006031.6(PCNT):c.7978G>A (p.Gly2660Arg)

Gene: PCNT (pericentrin; plus strand). Cytogenetic location: 21q22.3.
Variant type: single nucleotide variant.
Coding change: c.7978G>A on transcript NM_006031.6 (MANE Select); coding-DNA position 7978, G replaced by A.
Protein change: p.Gly2660Arg; replaces glycine 2660 with arginine.
Molecular consequence: missense variant.
Genome position (GRCh38, 1-based): chr21:46,430,571, G>A. VCF-style: chr21-46430571-G-A. GRCh37 (hg19) VCF-style: chr21-47850485-G-A.
Other names: c.7624G>A, p.Gly2542Arg (NM_001315529.2); short protein forms G2542R, G2660R.
Identifiers: ClinVar variation 2629235 (VCV002629235.4), dbSNP rs751798098, ClinGen allele CA10080848.